The following is an entry in ClinVar:

ClinVar aggregate classification (germline): Pathogenic (1 of 4 stars; one submission).

Conditions:
Acyl-CoA oxidase deficiency. Also called: Pseudoneonatal adrenoleukodystrophy; STRAIGHT-CHAIN ACYL-CoA OXIDASE DEFICIENCY; Peroxisomal acyl-CoA oxidase deficiency. Identifiers: Orphanet 2971, MedGen C1849678, MONDO:0009919, OMIM 264470. Disease mechanism: loss of function.

Submission:

Institute for Medical Genetics and Human Genetics, Charité - Universitätsmedizin Berlin
Classification: Pathogenic for Acyl-CoA oxidase deficiency. Review status: criteria provided, single submitter. Criteria: ACMG Guidelines, 2015. Collection method: clinical testing. Allele origin: germline. Inheritance: Autosomal recessive inheritance. Affected: yes. Observed: 1 homozygote.
Comment: The above sequence variant presumably leads to a shift in the reading frame at the protein level and to the premature termination of the protein biosynthesis. The sequence variant is not listed in the database gnomAD. Similar truncating homozygous sequence changes in ACOX1 have already been described as the cause of autosomal recessive peroxismal acyl-CoA oxidase deficiency (MIM # 264470) (Ferdinandusse et al. 2007, Carrozzo et al. 2008). This is a rare neurodegenerative disease from the group of hereditary peroxismal diseases. Clinical symptoms include: Muscular hypotension, seizures, developmental delay, mental retardation, sensorineural hearing loss, nystagmus, optic atrophy. In addition, facial dysmorphia (hypertelorism, epicanthus, flat bridge of the nose, low set ears) may occur. The cMRI may show leukodystrophy. Laboratory chemistry usually shows an increased concentration of long-chain fatty acids (VLCFA). The clinical abnormalities may also occur in peroxisome biogenesis defects. For further differentiation, an extended metabolic examination and a determination of enzyme activity from a fibroblast culture could be arranged. A genetic testing can be offered. The statistical risk of recurrence is 25% for further joint children. According to the current state of knowledge, we classify the sequence variant as pathogenic according to the ACMG criteria (class V).

NM_004035.7(ACOX1):c.320del (p.Phe107fs)

Gene: ACOX1 (acyl-CoA oxidase 1; minus strand). Cytogenetic location: 17q25.1.
Variant type: Deletion.
Coding change: c.320del on transcript NM_004035.7 (MANE Select); coding-DNA position 320, one base deleted (T; older notation c.320delT).
Protein change: p.Phe107fs; shifts the reading frame from phenylalanine 107.
Molecular consequence: frameshift variant. On other transcripts: intron variant (1).
Genome position (GRCh38, 1-based): chr17:75,960,325, A deleted on the plus strand (T on the coding strand, the reverse complement: ACOX1 is on the minus strand); the first of 2 consecutive A bases (chr17:75,960,325-75,960,326); deleting either gives the same sequence. VCF-style (leftmost placement, unchanged base first): chr17-75960324-GA-G. GRCh37 (hg19) VCF-style: chr17-73956405-GA-G.
Other names: c.206del, p.Phe69fs (NM_001185039.2); c.431-2759del (NM_007292.6); short protein forms F107fs, F69fs.
Identifiers: ClinVar variation 973761 (VCV000973761.2), dbSNP rs2065875711, ClinGen allele CA1139665893.